The following is an entry in ClinVar:

ClinVar aggregate classification (germline): Pathogenic/Likely pathogenic. Review status: criteria provided, multiple submitters, no conflicts (2 of 4 stars). 3 submissions from 3 submitters: Pathogenic (1); Likely pathogenic (2). Last evaluated 2024-05-31.

Conditions:
Congenital myasthenic syndrome 10. Also called: Myasthenia, limb-girdle, familial. Identifiers: Orphanet 590, MedGen C1850792, MONDO:0009690, OMIM 254300.
Fetal akinesia deformation sequence 3. Identifiers: MedGen C4760599, MONDO:0100103, OMIM 618389.
Fetal akinesia deformation sequence 1 (FADS1). Also called: Fetal akinesia sequence; Pena-Shokeir syndrome type I. Identifiers: Orphanet 994, MedGen C1276035, MONDO:0100101, OMIM 208150, HP:0001989.

Submissions (3):

Fulgent Genetics
Classification: Likely pathogenic for Congenital myasthenic syndrome 10; Fetal akinesia deformation sequence 3. Last evaluated: 2024-05-31. Review status: criteria provided, single submitter. Criteria: ACMG Guidelines, 2015. Collection method: clinical testing. Allele origin: germline.

Baylor Genetics
Classification: Likely pathogenic for Fetal akinesia deformation sequence 3. Last evaluated: 2023-08-28. Review status: criteria provided, single submitter. Criteria: ACMG Guidelines, 2015. Collection method: clinical testing. Allele origin: unknown.

Labcorp Genetics (formerly Invitae), Labcorp
Classification: Pathogenic for Congenital myasthenic syndrome 10; Fetal akinesia deformation sequence 1. Last evaluated: 2022-12-19. Review status: criteria provided, single submitter. Criteria: Invitae Variant Classification Sherloc (09022015). Collection method: clinical testing. Allele origin: germline.
Comment: ClinVar contains an entry for this variant (Variation ID: 1454703). This variant has not been reported in the literature in individuals affected with DOK7-related conditions. This variant is not present in population databases (gnomAD no frequency). This sequence change creates a premature translational stop signal (p.Cys442Valfs*14) in the DOK7 gene. While this is not anticipated to result in nonsense mediated decay, it is expected to disrupt the last 63 amino acid(s) of the DOK7 protein. For these reasons, this variant has been classified as Pathogenic. This variant disrupts a region of the DOK7 protein in which other variant(s) (p.Pro486Argfs*15) have been determined to be pathogenic (PMID: 29118959). This suggests that this is a clinically significant region of the protein, and that variants that disrupt it are likely to be disease-causing.

Literature cited by the submitters: PubMed 29118959 (cited by Labcorp Genetics (formerly Invitae), Labcorp).

NM_173660.5(DOK7):c.1323del (p.Cys442fs)

Gene: DOK7 (docking protein 7; plus strand). Cytogenetic location: 4p16.3.
Variant type: Deletion.
Coding change: c.1323del on transcript NM_173660.5 (MANE Select); coding-DNA position 1323, one base deleted (G; older notation c.1323delG).
Protein change: p.Cys442fs; shifts the reading frame from cysteine 442.
Molecular consequence: frameshift variant. On other transcripts: 3 prime UTR variant (1).
Genome position (GRCh38, 1-based): chr4:3,493,309, G deleted; the last of 3 consecutive G bases (chr4:3,493,307-3,493,309); deleting any one gives the same sequence. VCF-style (leftmost placement, unchanged base first): chr4-3493306-CG-C. GRCh37 (hg19) VCF-style: chr4-3495033-CG-C.
Other names: c.*544del (NM_001164673.2); c.393del, p.Cys132fs (NM_001256896.2); c.1323del, p.Cys442fs (NM_001301071.2); c.891del, p.Cys298fs (NM_001363811.2); short protein forms C298fs, C132fs, C442fs.
Identifiers: ClinVar variation 1454703 (VCV001454703.8), dbSNP rs1210035894, ClinGen allele CA794201108.
Genomic context (GRCh38, chr4:3,493,306, plus strand): 5'-CCCCTCACAGGGCAGCCCCGGCAACAGTGCGGCCAGGGACTCAGGCGGCCAGACGTCCGC[CG>C]GGTGTCCCTCTGGCTGGCTGGGCACGAGACGGCGGGGCCTGGTGATGGAGGCCCCCCAGG-3'